The following is an entry in ClinVar:

NM_198060.4(NRAP):c.5108A>T (p.Glu1703Val)

Genes: HABP2 (hyaluronan binding protein 2; plus strand), NRAP (nebulin related anchoring protein; minus strand). Cytogenetic location: 10q25.3.
Variant type: single nucleotide variant.
Coding change: c.5108A>T on transcript NM_198060.4 (MANE Select); coding-DNA position 5108, A replaced by T.
Protein change: p.Glu1703Val; replaces glutamic acid 1703 with valine.
Molecular consequence: missense variant. On other transcripts: 3 prime UTR variant (2).
Genome position (GRCh38, 1-based): chr10:113,589,060, T>A on the plus strand (A>T on the coding strand, the complement: NRAP is on the minus strand). VCF-style: chr10-113589060-T-A. GRCh37 (hg19) VCF-style: chr10-115348819-T-A.
Other names: c.*691T>A (NM_001177660.3, NM_004132.5); c.5111A>T, p.Glu1704Val (NM_001261463.2); c.5000A>T, p.Glu1667Val (NM_001322945.2); c.5003A>T, p.Glu1668Val (NM_006175.5); short protein forms E1667V, E1668V, E1703V, E1704V.
Identifiers: ClinVar variation 3347639 (VCV003347639.1).

ClinVar aggregate classification (germline): Uncertain significance (0 of 4 stars; one submission).

Conditions:
NRAP-related disorder. Also called: NRAP-related condition.

gnomAD v4.1: 1 of 1,613,892 alleles (0.000062%); highest among the groups gnomAD compares: African/African-American, 0.0013%; no homozygotes.

Submission:

PreventionGenetics, part of Exact Sciences
Classification: Uncertain significance for NRAP-related condition. Last evaluated: 2024-09-13. Review status: no assertion criteria provided. Collection method: clinical testing. Allele origin: germline.
Comment: The NRAP c.5111A>T variant is predicted to result in the amino acid substitution p.Glu1704Val. To our knowledge, this variant has not been reported in the literature or in a large population database, indicating this variant is rare. At this time, the clinical significance of this variant is uncertain due to the absence of conclusive functional and genetic evidence.